The following is an entry in ClinVar:

ClinVar aggregate classification (germline): Uncertain significance. Review status: criteria provided, multiple submitters, no conflicts (2 of 4 stars). 2 submissions from 2 submitters: Uncertain significance (2). Last evaluated 2025-09-02.

Conditions:
Cardiovascular phenotype. Identifiers: MedGen CN230736.
Ehlers-Danlos syndrome, kyphoscoliotic type, 2. Also called: FKBP14-Kyphoscoliotic Ehlers-Danlos Syndrome; Ehlers-Danlos syndrome with progressive kyphoscoliosis, myopathy, and hearing loss; Ehlers-Danlos syndrome, kyphoscoliotic and deafness type. Identifiers: Orphanet 300179, MedGen C3281160, MONDO:0013800, OMIM 614557.

Allele frequency attached by ClinVar (database versions not stated): gnomAD 0.00002 and 0.00003; TOPMed 0.00003; ESP Exome Variant Server 0.00008; 1000 Genomes Project 30x 0.00016; 1000 Genomes Project 0.00020.
gnomAD v4.1: 7 of 1,614,196 alleles (0.00043%); highest among the groups gnomAD compares: African/African-American, 0.0093%; no homozygotes.

Submissions (2):

Labcorp Genetics (formerly Invitae), Labcorp
Classification: Uncertain significance for Ehlers-Danlos syndrome, kyphoscoliotic type, 2. Last evaluated: 2025-09-02. Review status: criteria provided, single submitter. Criteria: Invitae Variant Classification Sherloc (09022015). Collection method: clinical testing. Allele origin: germline.
Comment: This sequence change replaces valine, which is neutral and non-polar, with leucine, which is neutral and non-polar, at codon 27 of the FKBP14 protein (p.Val27Leu). This variant is present in population databases (rs148775136, gnomAD 0.02%). This variant has not been reported in the literature in individuals affected with FKBP14-related conditions. ClinVar contains an entry for this variant (Variation ID: 835291). An algorithm developed to predict the effect of missense changes on protein structure and function (PolyPhen-2) suggests that this variant is likely to be tolerated. In summary, the available evidence is currently insufficient to determine the role of this variant in disease. Therefore, it has been classified as a Variant of Uncertain Significance.

Ambry Genetics
Classification: Uncertain significance for Cardiovascular phenotype. Last evaluated: 2024-07-31. Review status: criteria provided, single submitter. Criteria: Ambry Variant Classification Scheme 2023. Collection method: clinical testing. Allele origin: germline.
Comment: The p.V27L variant (also known as c.79G>C), located in coding exon 1 of the FKBP14 gene, results from a G to C substitution at nucleotide position 79. The valine at codon 27 is replaced by leucine, an amino acid with highly similar properties. This amino acid position is conserved. In addition, this alteration is predicted to be tolerated by in silico analysis. Based on the available evidence, the clinical significance of this variant remains unclear.

NM_017946.4(FKBP14):c.79G>C (p.Val27Leu)

Genes: FKBP14 (FKBP prolyl isomerase 14; minus strand), FKBP14-AS1 (FKBP14 antisense RNA 1; plus strand). Cytogenetic location: 7p14.3.
Variant type: single nucleotide variant.
Coding change: c.79G>C on transcript NM_017946.4 (MANE Select); coding-DNA position 79, G replaced by C.
Protein change: p.Val27Leu; replaces valine 27 with leucine.
Molecular consequence: missense variant. On other transcripts: non-coding transcript variant (2).
Genome position (GRCh38, 1-based): chr7:30,026,430, C>G on the plus strand (G>C on the coding strand, the complement: FKBP14 is on the minus strand). VCF-style: chr7-30026430-C-G. GRCh37 (hg19) VCF-style: chr7-30066046-C-G.
Other names: c.79G>C (NM_017946.2); short protein forms V27L.
Identifiers: ClinVar variation 835291 (VCV000835291.15), dbSNP rs148775136, ClinGen allele CA4203509.